The following is an entry in ClinVar:

ClinVar aggregate classification (germline): Pathogenic/Likely pathogenic. Review status: criteria provided, multiple submitters, no conflicts (2 of 4 stars). 3 submissions from 3 submitters: Pathogenic (1); Likely pathogenic (1). 1 of the submissions does not count toward it. Last evaluated 2020-09-11.

Conditions:
Early-infantile DEE. Also called: Early infantile epileptic encephalopathy; Early infantile epileptic encephalopathy with suppression bursts; Ohtahara syndrome. Identifiers: Orphanet 1934, MedGen C0393706, MONDO:0800491.
Severe myoclonic epilepsy in infancy (DRVT). Also called: SEVERE MYOCLONIC EPILEPSY OF INFANCY; DEVELOPMENTAL AND EPILEPTIC ENCEPHALOPATHY 6A; Severe Myoclonic Epilepsy in Infancy (SMEI); Dravet syndrome; Epileptic encephalopathy, early infantile, 6 (Dravet syndrome). Identifiers: Orphanet 33069, MedGen C0751122, MONDO:0100135, OMIM 607208.

Submissions (4):

Labcorp Genetics (formerly Invitae), Labcorp
Classification: Pathogenic for Early-infantile DEE. Last evaluated: 2020-09-11. Review status: criteria provided, single submitter. Criteria: Invitae Variant Classification Sherloc (09022015). Collection method: clinical testing. Allele origin: germline.
Comment: This variant has been observed in individual(s) with Dravet syndrome (PMID: 12754708). In at least one individual the variant was observed to be de novo. ClinVar contains an entry for this variant (Variation ID: 68607). Advanced modeling of protein sequence and biophysical properties (such as structural, functional, and spatial information, amino acid conservation, physicochemical variation, residue mobility, and thermodynamic stability) performed at Invitae indicates that this missense variant is expected to disrupt SCN1A protein function. For these reasons, this variant has been classified as Pathogenic. This sequence change replaces cysteine with arginine at codon 959 of the SCN1A protein (p.Cys959Arg). The cysteine residue is highly conserved and there is a large physicochemical difference between cysteine and arginine. This variant is not present in population databases (ExAC no frequency).

Lifecell International Pvt. Ltd
Classification: Likely pathogenic for Severe myoclonic epilepsy in infancy. Review status: criteria provided, single submitter. Criteria: ACMG Guidelines, 2015. Collection method: clinical testing. Allele origin: germline. Inheritance: Autosomal dominant inheritance. Affected: yes. Observed: 1 variant allele, 1 heterozygote.
Comment: A heterozygous missense variant (c.2875T>C) in exon 18 of the SCN1A gene that results in the amino acid substitution from cysteine to arginine at codon 959 (p.Cys959Arg) was identified. This variant is not reported in both the 1000 Genomes and gnomAD databases. The reference base is conserved across the species and in-silico predictions by SIFT and PolyPhen2 is damaging. The observed variant has previously been reported in patients affected with severe myoclonic epilepsy of infancy (Claes L, et al., 2003). The variant was added to dbSNP as rs121918796 in version 133. This variant was found in ClinVar (Variant 68607) with a classification of Not Provided and a review status of (0 stars) no assertion provided. The Missense Variants Z- Score for this variant is 5.23. Missense Variants Z-Score is produced by the Exome Aggregation Consortium (60,706 adult humans) by computing a signed Z score for the deviation of observed counts from the expected number. Positive Z scores indicate increased constraint (intolerance to variation) and therefore that the gene had fewer missense variants than expected. (DOI: 10.1038/nature19057). The Missense Badness and MPC scores for this variant is 1.00 and 3.60 respectively. Missense Badness Score is the normalized fold difference of missense substitutions between observed and expected variants from ExAC dataset. This score is then combined with orthogonal deleteriousness metrics into one score called MPC (for Missense badness, PolyPhen-2, and Constraint) designed to classify whether a missense variants is deleterious. Variants with MPC â‰¥ 2 have a rate nearly 6 times higher in cases than in controls. While those with intermediate MPC values (1 â‰¤ MPC less than 2) have a more modest excess in cases. Based on the above evidence this variant has been classified as likely pathogenic according to the ACMG guidelines.

Channelopathy-Associated Epilepsy Research Center
No classification provided (evidence only). Condition: Severe myoclonic epilepsy in infancy. Review status: no classification provided. Collection method: literature only. Allele origin: not applicable. Functional consequence: Absence of peak current. Not counted in ClinVar's aggregate classification.
ClinVar note: "not provided" was previously submitted as the classification for the variant. However, the classification appeared to be based only on an observation of functional data so it was converted to no classification on 2025-07-30.

UniProtKB/Swiss-Prot
No classification provided. Condition: Severe myoclonic epilepsy in infancy. Review status: no classification provided. Collection method: not provided. Allele origin: not provided. Not counted in ClinVar's aggregate classification.

Literature cited by the submitters: PubMed 12754708 (cited by Labcorp Genetics (formerly Invitae), Labcorp); PubMed 17054685 (cited by Channelopathy-Associated Epilepsy Research Center).

NM_001165963.4(SCN1A):c.2875T>C (p.Cys959Arg)

Gene: SCN1A (sodium voltage-gated channel alpha subunit 1; minus strand). Cytogenetic location: 2q24.3.
Variant type: single nucleotide variant.
Coding change: c.2875T>C on transcript NM_001165963.4 (MANE Select); coding-DNA position 2875, T replaced by C.
Protein change: p.Cys959Arg; replaces cysteine 959 with arginine.
Molecular consequence: missense variant. On other transcripts: non-coding transcript variant (1).
Genome position (GRCh38, 1-based): chr2:166,037,847, A>G on the plus strand (T>C on the coding strand, the complement: SCN1A is on the minus strand). VCF-style: chr2-166037847-A-G. GRCh37 (hg19) VCF-style: chr2-166894357-A-G.
Other names: c.2791T>C, p.Cys931Arg (NM_001165964.3, NM_001353957.2, NM_001353958.2); c.2875T>C, p.Cys959Arg (NM_001202435.3, NM_001353948.2); c.2842T>C, p.Cys948Arg (NM_001353949.2, NM_001353950.2, NM_001353951.2 and 2 more transcripts); c.2839T>C, p.Cys947Arg (NM_001353954.2, NM_001353955.2); c.2788T>C, p.Cys930Arg (NM_001353960.2); c.433T>C, p.Cys145Arg (NM_001353961.2); short protein forms C948R, C959R, C931R, C145R, C930R, C947R.
Identifiers: ClinVar variation 68607 (VCV000068607.12), dbSNP rs121918796, ClinGen allele CA285105.